The following is an entry in ClinVar:

NM_000336.3(SCNN1B):c.831G>A (p.Trp277Ter)

Gene: SCNN1B (sodium channel epithelial 1 subunit beta; plus strand). Cytogenetic location: 16p12.2.
Variant type: single nucleotide variant.
Coding change: c.831G>A on transcript NM_000336.3 (MANE Select); coding-DNA position 831, G replaced by A.
Protein change: p.Trp277Ter; replaces tryptophan 277 with a stop codon.
Molecular consequence: nonsense.
Genome position (GRCh38, 1-based): chr16:23,367,910, G>A. VCF-style: chr16-23367910-G-A. GRCh37 (hg19) VCF-style: chr16-23379231-G-A.
Other names: c.831G>A, p.Trp277Ter (NM_001410900.1); short protein forms W277*.
Identifiers: ClinVar variation 3772061 (VCV003772061.13).

ClinVar aggregate classification (germline): Pathogenic (1 of 4 stars; one submission).

Submission:

CeGaT Center for Human Genetics Tuebingen
Classification: Pathogenic. Last evaluated: 2024-12-01. Review status: criteria provided, single submitter. Criteria: CeGaT Center For Human Genetics Tuebingen Variant Classification Criteria Version 2. Collection method: clinical testing. Allele origin: germline. Affected: yes. Observed: 1 variant allele.
Comment: SCNN1B: PVS1, PM2, PS2:Supporting